The following is an entry in ClinVar:

NM_020975.6(RET):c.1312G>A (p.Val438Ile)

Gene: RET (ret proto-oncogene; plus strand). Cytogenetic location: 10q11.21.
Variant type: single nucleotide variant.
Coding change: c.1312G>A on transcript NM_020975.6 (MANE Select); coding-DNA position 1312, G replaced by A.
Protein change: p.Val438Ile; replaces valine 438 with isoleucine.
Molecular consequence: missense variant.
Genome position (GRCh38, 1-based): chr10:43,111,255, G>A. VCF-style: chr10-43111255-G-A. GRCh37 (hg19) VCF-style: chr10-43606703-G-A.
Other names: c.1312G>A, p.Val438Ile (NM_000323.2, NM_001406743.1, NM_001406744.1 and 6 more transcripts); c.550G>A, p.Val184Ile (NM_001355216.2); c.1183G>A, p.Val395Ile (NM_001406761.1, NM_001406762.1, NM_001406764.1 and 1 more transcripts); c.1024G>A, p.Val342Ile (NM_001406766.1, NM_001406767.1, NM_001406770.1); c.916G>A, p.Val306Ile (NM_001406769.1, NM_001406772.1); c.874G>A, p.Val292Ile (NM_001406771.1, NM_001406773.1); c.787G>A, p.Val263Ile (NM_001406774.1); c.586G>A, p.Val196Ile (NM_001406775.1, NM_001406776.1, NM_001406777.1 and 1 more transcripts); and 1 more; short protein forms V438I, V184I, V292I, V108I, V196I, V306I, V263I, V342I.
Identifiers: ClinVar variation 477314 (VCV000477314.17), dbSNP rs774474422, ClinGen allele CA033053.
Genomic context (GRCh38, chr10:43,111,255, plus strand): 5'-GTGCCCCCCTAGATCGGGAAAGTCTGTGTGGAAAACTGCCAGGCATTCAGTGGCATCAAC[G>A]TCCAGTACAAGCTGCATTCCTCTGGTGCCAACTGCAGCACGCTAGGGGTGGTCACCTCAG-3'
Protein context (NP_066124.1, residues 428-448): ENCQAFSGIN[Val438Ile]QYKLHSSGAN

ClinVar aggregate classification (germline): Conflicting classifications of pathogenicity. Review status: criteria provided, conflicting classifications (1 of 4 stars). 7 submissions from 7 submitters: Uncertain significance (5); Likely benign (1). 1 of the submissions does not count toward it. Last evaluated 2025-12-19.

Conditions:
Hereditary cancer-predisposing syndrome. Also called: Hereditary Cancer Syndrome; Hereditary neoplastic syndrome; Tumor predisposition; Neoplastic Syndromes, Hereditary. Identifiers: Orphanet 140162, MedGen C0027672, MeSH D009386, MONDO:0015356.
Familial medullary thyroid carcinoma (MTC). Also called: Familial Medullary Thyroid Carcinoma (FMTC); Thyroid cancer, familial medullary; MTC, familial. Identifiers: Orphanet 653, Orphanet 99361, MedGen C1833921, MONDO:0007958, OMIM 155240.
Pheochromocytoma. Also called: MAX-Related Hereditary Paraganglioma-Pheochromocytoma Syndrome. Identifiers: Orphanet 29072, MedGen C0031511, MONDO:0008233, OMIM 171300, HP:0002666.
Multiple endocrine neoplasia type 2A. Also called: Multiple Endocrine Neoplasia Type 2A (MEN2A); MULTIPLE ENDOCRINE NEOPLASIA, TYPE IIA; PTC SYNDROME; SIPPLE SYNDROME; MEN 2A; MEN-2A syndrome. Identifiers: Orphanet 247698, Orphanet 653, MedGen C0025268, MeSH D018813, MONDO:0008234, OMIM 171400.
Hirschsprung disease, susceptibility to, 1 (HSCR1). Also called: RET-Related Hirschsprung Disease. Identifiers: Orphanet 388, MedGen C3888239, MONDO:0007723, OMIM 142623.
Multiple endocrine neoplasia type 2B. Also called: WAGENMANN-FROBOESE SYNDROME; MULTIPLE ENDOCRINE NEOPLASIA, TYPE III; MUCOSAL NEUROMA SYNDROME; Multiple Endocrine Neoplasia Type 2B (MEN2B); Multiple endocrine neoplasia, type 3; MULTIPLE ENDOCRINE NEOPLASIA, TYPE IIB. Identifiers: Orphanet 247709, Orphanet 653, MedGen C0025269, MeSH D018814, MONDO:0008082, OMIM 162300.
RET-related disorder. Also called: RET-related disorders; RET-related condition; RET-related disease.
Multiple endocrine neoplasia, type 2 (MEN2). Identifiers: Orphanet 653, MedGen C4048306, MONDO:0019003. Disease mechanism: gain of function.

Allele frequency attached by ClinVar (database versions not stated): gnomAD exomes 0.00001 and 0.00003; ExAC 0.00003; gnomAD 0.00003; TOPMed 0.00004.
gnomAD v4.1: 19 of 1,614,044 alleles (0.0012%); highest among the groups gnomAD compares: African/African-American, 0.004%; no homozygotes.

Submissions (7):

Labcorp Genetics (formerly Invitae), Labcorp
Classification: Uncertain significance for Multiple endocrine neoplasia, type 2. Last evaluated: 2025-12-19. Review status: criteria provided, single submitter. Criteria: Invitae Variant Classification Sherloc (09022015). Collection method: clinical testing. Allele origin: germline.
Comment: This sequence change replaces valine, which is neutral and non-polar, with isoleucine, which is neutral and non-polar, at codon 438 of the RET protein (p.Val438Ile). This variant is present in population databases (rs774474422, gnomAD 0.006%). This variant has not been reported in the literature in individuals affected with RET-related conditions. ClinVar contains an entry for this variant (Variation ID: 477314). An algorithm developed to predict the effect of missense changes on protein structure and function outputs the following: PolyPhen-2: "Benign". The isoleucine amino acid residue is found in multiple mammalian species, which suggests that this missense change does not adversely affect protein function. In summary, the available evidence is currently insufficient to determine the role of this variant in disease. Therefore, it has been classified as a Variant of Uncertain Significance.

Color Diagnostics, LLC DBA Color Health
Classification: Uncertain significance for Multiple endocrine neoplasia, type 2. Last evaluated: 2025-05-20. Review status: criteria provided, single submitter. Criteria: ACMG Guidelines, 2015. Collection method: clinical testing. Allele origin: germline.
Comment: This missense variant replaces valine with isoleucine at codon 438 of the RET protein. Computational prediction suggests that this variant may not impact protein structure and function. To our knowledge, functional studies have not been reported for this variant. This variant has not been reported in individuals affected with RET-related disorders in the literature. This variant has been identified in 8/282784 chromosomes in the general population by the Genome Aggregation Database (gnomAD). The available evidence is insufficient to determine the role of this variant in disease conclusively. Therefore, this variant is classified as a Variant of Uncertain Significance.

Ambry Genetics
Classification: Likely benign for Hereditary cancer-predisposing syndrome. Last evaluated: 2025-03-11. Review status: criteria provided, single submitter. Criteria: Ambry Variant Classification Scheme 2023. Collection method: clinical testing. Allele origin: germline.

All of Us Research Program, National Institutes of Health
Classification: Uncertain significance for Multiple endocrine neoplasia, type 2. Last evaluated: 2023-12-01. Review status: criteria provided, single submitter. Criteria: ACMG Guidelines, 2015. Collection method: clinical testing. Allele origin: germline. Inheritance: Autosomal dominant inheritance. Observed: 4 variant alleles, 4 heterozygotes.
Comment: This study involves interpretation of variants in research participants for the purpose of population health screening. Participant phenotype was not available at the time of variant classification. Additional details can be found in publication PMID: 35346344, PMCID: PMC8962531

PreventionGenetics, part of Exact Sciences
Classification: Uncertain significance for RET-related condition. Last evaluated: 2023-03-14. Review status: criteria provided, single submitter. Criteria: ACMG Guidelines, 2015. Collection method: clinical testing. Allele origin: germline.
Comment: The RET c.1312G>A variant is predicted to result in the amino acid substitution p.Val438Ile. To our knowledge, this variant has not been reported in the literature. This variant is reported in 0.0056% of alleles in individuals of Latino descent in gnomAD. At this time, the clinical significance of this variant is uncertain due to the absence of conclusive functional and genetic evidence.

Fulgent Genetics
Classification: Uncertain significance for Hirschsprung disease, susceptibility to, 1; Familial medullary thyroid carcinoma; Multiple endocrine neoplasia type 2B; Pheochromocytoma; Multiple endocrine neoplasia type 2A. Last evaluated: 2021-10-19. Review status: criteria provided, single submitter. Criteria: ACMG Guidelines, 2015. Collection method: clinical testing. Allele origin: unknown.

Counsyl
Classification: Uncertain significance for Multiple endocrine neoplasia type 2A. Last evaluated: 2018-04-24. Review status: no assertion criteria provided. Collection method: clinical testing. Allele origin: unknown. Not counted in ClinVar's aggregate classification.